The following is an entry in ClinVar:

ClinVar aggregate classification (germline): Uncertain significance. Review status: no assertion criteria provided (0 of 4 stars). 2 submissions from 2 submitters: Uncertain significance (2). Last evaluated 2024-04-09.

Conditions:
PLXNA1-related disorder. Also called: PLXNA1-related condition.
Neurodevelopmental disorder. Identifiers: MedGen C1535926, MeSH D065886, MONDO:0700092.

Allele frequency attached by ClinVar (database versions not stated): gnomAD exomes below 0.00001 and 0.00001; ExAC 0.00002; gnomAD 0.00002 and 0.00003; TOPMed 0.00005; ESP Exome Variant Server 0.00015; 1000 Genomes Project 30x 0.00016; 1000 Genomes Project 0.00020.
gnomAD v4.1: 9 of 1,605,956 alleles (0.00056%); highest among the groups gnomAD compares: African/African-American, 0.0053%; no homozygotes.

Submissions (2):

PreventionGenetics, part of Exact Sciences
Classification: Uncertain significance for PLXNA1-related condition. Last evaluated: 2024-04-09. Review status: no assertion criteria provided. Collection method: clinical testing. Allele origin: germline.
Comment: The PLXNA1 c.5632C>T variant is predicted to result in the amino acid substitution p.Arg1878Trp. To our knowledge, this variant has not been reported in the literature. This variant is reported in 0.0069% of alleles in individuals of African descent in gnomAD. At this time, the clinical significance of this variant is uncertain due to the absence of conclusive functional and genetic evidence.

Lupski Lab, Baylor-Hopkins CMG, Baylor College of Medicine
Classification: Uncertain significance for Neurodevelopmental disorder. Last evaluated: 2019-11-30. Review status: no assertion criteria provided. Collection method: research. Allele origin: unknown. Inheritance: Autosomal dominant inheritance. Affected: yes. Observed: 1 heterozygote.

NM_032242.4(PLXNA1):c.5632C>T (p.Arg1878Trp)

Gene: PLXNA1 (plexin A1; plus strand). Cytogenetic location: 3q21.3.
Variant type: single nucleotide variant.
Coding change: c.5632C>T on transcript NM_032242.4 (MANE Select); coding-DNA position 5632, C replaced by T.
Protein change: p.Arg1878Trp; replaces arginine 1878 with tryptophan.
Molecular consequence: missense variant.
Genome position (GRCh38, 1-based): chr3:127,033,958, C>T. VCF-style: chr3-127033958-C-T. GRCh37 (hg19) VCF-style: chr3-126752801-C-T.
Other names: short protein forms R1878W.
Identifiers: ClinVar variation 867242 (VCV000867242.5), dbSNP rs149124469, ClinGen allele CA2594745.